The following is an entry in ClinVar:

NM_000465.4(BARD1):c.1240A>G (p.Met414Val)

Gene: BARD1 (BRCA1 associated RING domain 1; minus strand). Cytogenetic location: 2q35.
Variant type: single nucleotide variant.
Coding change: c.1240A>G on transcript NM_000465.4 (MANE Select); coding-DNA position 1240, A replaced by G.
Protein change: p.Met414Val; replaces methionine 414 with valine.
Molecular consequence: missense variant. On other transcripts: non-coding transcript variant (2), intron variant (3).
Genome position (GRCh38, 1-based): chr2:214,780,634, T>C on the plus strand (A>G on the coding strand, the complement: BARD1 is on the minus strand). VCF-style: chr2-214780634-T-C. GRCh37 (hg19) VCF-style: chr2-215645358-T-C.
Other names: c.1183A>G, p.Met395Val (NM_001282543.2); c.159-28079A>G (NM_001282548.2); c.215+16427A>G (NM_001282545.2); c.364+11663A>G (NM_001282549.2); short protein forms M414V, M395V.
Identifiers: ClinVar variation 581179 (VCV000581179.15), dbSNP rs759601398, ClinGen allele CA64787917.

ClinVar aggregate classification (germline): Conflicting classifications of pathogenicity. Review status: criteria provided, conflicting classifications (1 of 4 stars). 3 submissions from 3 submitters: Uncertain significance (2); Likely benign (1). Last evaluated 2025-06-17.

Conditions:
Familial cancer of breast. Also called: BREAST CANCER, FAMILIAL; hereditary breast carcinoma; Hereditary breast cancer. Identifiers: Orphanet 227535, MedGen C0346153, MONDO:0016419, OMIM 114480. Disease mechanism: loss of function.
Hereditary cancer-predisposing syndrome. Also called: Neoplastic Syndromes, Hereditary; Tumor predisposition; Hereditary neoplastic syndrome; Hereditary Cancer Syndrome. Identifiers: Orphanet 140162, MedGen C0027672, MeSH D009386, MONDO:0015356.

Allele frequency attached by ClinVar (database versions not stated): TOPMed 0.00004.
gnomAD v4.1: 7 of 1,614,112 alleles (0.00043%); highest among the groups gnomAD compares: East Asian, 0.0022%; no homozygotes.

Submissions (3):

Labcorp Genetics (formerly Invitae), Labcorp
Classification: Uncertain significance for Familial cancer of breast. Last evaluated: 2025-06-17. Review status: criteria provided, single submitter. Criteria: Invitae Variant Classification Sherloc (09022015). Collection method: clinical testing. Allele origin: germline.
Comment: This sequence change replaces methionine, which is neutral and non-polar, with valine, which is neutral and non-polar, at codon 414 of the BARD1 protein (p.Met414Val). This variant is present in population databases (no rsID available, gnomAD 0.003%). This variant has not been reported in the literature in individuals affected with BARD1-related conditions. ClinVar contains an entry for this variant (Variation ID: 581179). An algorithm developed to predict the effect of missense changes on protein structure and function outputs the following: PolyPhen-2: "Benign". The valine amino acid residue is found in multiple mammalian species, which suggests that this missense change does not adversely affect protein function. In summary, the available evidence is currently insufficient to determine the role of this variant in disease. Therefore, it has been classified as a Variant of Uncertain Significance.

Quest Diagnostics Nichols Institute San Juan Capistrano
Classification: Uncertain significance. Last evaluated: 2024-12-14. Review status: criteria provided, single submitter. Criteria: Quest Diagnostics criteria. Collection method: clinical testing. Allele origin: unknown.
Comment: The BARD1 c.1240A>G (p.Met414Val) variant has not been reported in individuals with BARD1-related conditions in the published literature. The frequency of this variant in the general population (Genome Aggregation Database) is uninformative in the assessment of its pathogenicity. Analysis of this variant using bioinformatics tools for the prediction of the effect of amino acid changes on protein structure and function yielded predictions that this variant is benign. Based on the available information, we are unable to determine the clinical significance of this variant.

Ambry Genetics
Classification: Likely benign for Hereditary cancer-predisposing syndrome. Last evaluated: 2019-10-03. Review status: criteria provided, single submitter. Criteria: Ambry Variant Classification Scheme 2023. Collection method: clinical testing. Allele origin: germline.